The following is an entry in ClinVar:

NM_000057.4(BLM):c.3976T>A (p.Phe1326Ile)

Gene: BLM (BLM RecQ like helicase; plus strand). Cytogenetic location: 15q26.1.
Variant type: single nucleotide variant.
Coding change: c.3976T>A on transcript NM_000057.4 (MANE Select); coding-DNA position 3976, T replaced by A.
Protein change: p.Phe1326Ile; replaces phenylalanine 1326 with isoleucine.
Molecular consequence: missense variant.
Genome position (GRCh38, 1-based): chr15:90,811,306, T>A. VCF-style: chr15-90811306-T-A. GRCh37 (hg19) VCF-style: chr15-91354536-T-A.
Other names: c.3976T>A, p.Phe1326Ile (NM_001287246.2); c.3583T>A, p.Phe1195Ile (NM_001287247.2); c.2851T>A, p.Phe951Ile (NM_001287248.2); c.3976T>A (NM_000057.2); short protein forms F1326I, F951I, F1195I.
Identifiers: ClinVar variation 454146 (VCV000454146.12), dbSNP rs1222912167, ClinGen allele CA393850992.

ClinVar aggregate classification (germline): Uncertain significance. Review status: criteria provided, multiple submitters, no conflicts (2 of 4 stars). 3 submissions from 3 submitters: Uncertain significance (2). 1 of the submissions does not count toward it. Last evaluated 2025-10-23.

Conditions:
Hereditary cancer-predisposing syndrome. Also called: Hereditary Cancer Syndrome; Hereditary neoplastic syndrome; Neoplastic Syndromes, Hereditary; Tumor predisposition. Identifiers: Orphanet 140162, MedGen C0027672, MeSH D009386, MONDO:0015356.
Bloom syndrome (BLM). Also called: Bloom-Torre-Machacek syndrome. Identifiers: Orphanet 125, MedGen C0005859, MONDO:0008876, OMIM 210900.

Allele frequency attached by ClinVar (database versions not stated): gnomAD exomes below 0.00001; TOPMed below 0.00001; gnomAD 0.00001.
gnomAD v4.1: 3 of 1,613,986 alleles (0.00019%); highest among the groups gnomAD compares: Admixed American, 0.0017%; no homozygotes.

Submissions (3):

Labcorp Genetics (formerly Invitae), Labcorp
Classification: Uncertain significance for Bloom syndrome. Last evaluated: 2025-10-23. Review status: criteria provided, single submitter. Criteria: Invitae Variant Classification Sherloc (09022015). Collection method: clinical testing. Allele origin: germline.
Comment: This sequence change replaces phenylalanine, which is neutral and non-polar, with isoleucine, which is neutral and non-polar, at codon 1326 of the BLM protein (p.Phe1326Ile). This variant is present in population databases (no rsID available, gnomAD 0.003%). This variant has not been reported in the literature in individuals affected with BLM-related conditions. ClinVar contains an entry for this variant (Variation ID: 454146). Invitae Evidence Modeling of protein sequence and biophysical properties (such as structural, functional, and spatial information, amino acid conservation, physicochemical variation, residue mobility, and thermodynamic stability) indicates that this missense variant is not expected to disrupt BLM protein function with a negative predictive value of 80%. In summary, the available evidence is currently insufficient to determine the role of this variant in disease. Therefore, it has been classified as a Variant of Uncertain Significance.

Ambry Genetics
Classification: Uncertain significance for Hereditary cancer-predisposing syndrome. Last evaluated: 2024-11-10. Review status: criteria provided, single submitter. Criteria: Ambry Variant Classification Scheme 2023. Collection method: clinical testing. Allele origin: germline.
Comment: The p.F1326I variant (also known as c.3976T>A), located in coding exon 20 of the BLM gene, results from a T to A substitution at nucleotide position 3976. The phenylalanine at codon 1326 is replaced by isoleucine, an amino acid with highly similar properties. This amino acid position is conserved. In addition, the in silico prediction for this alteration is inconclusive. Since supporting evidence is limited at this time, the clinical significance of this alteration remains unclear.

Natera, Inc.
Classification: Uncertain significance for Bloom syndrome. Last evaluated: 2020-09-16. Review status: no assertion criteria provided. Collection method: clinical testing. Allele origin: germline. Not counted in ClinVar's aggregate classification.